The following is an entry in ClinVar:

ClinVar aggregate classification (germline): Likely benign (0 of 4 stars; one submission).

Conditions:
ARSD-related disorder. Also called: ARSD-related condition.

Allele frequency attached by ClinVar (database versions not stated): gnomAD 0.00001; ExAC 0.00118.

Submission:

PreventionGenetics, part of Exact Sciences
Classification: Likely benign for ARSD-related condition. Last evaluated: 2020-07-31. Review status: no assertion criteria provided. Collection method: clinical testing. Allele origin: germline.
Comment: This variant is classified as likely benign based on ACMG/AMP sequence variant interpretation guidelines (Richards et al. 2015 PMID: 25741868, with internal and published modifications).

NM_001669.4(ARSD):c.713G>T (p.Cys238Phe)

Gene: ARSD (arylsulfatase D; minus strand). Cytogenetic location: Xp22.33.
Variant type: single nucleotide variant.
Coding change: c.713G>T on transcript NM_001669.4 (MANE Select); coding-DNA position 713, G replaced by T.
Protein change: p.Cys238Phe; replaces cysteine 238 with phenylalanine.
Molecular consequence: missense variant.
Genome position (GRCh38, 1-based): chrX:2,917,954, C>A on the plus strand (G>T on the coding strand, the complement: ARSD is on the minus strand). VCF-style: chrX-2917954-C-A. GRCh37 (hg19) VCF-style: chrX-2835995-C-A.
Other names: c.713G>T, p.Cys238Phe (NM_009589.5); short protein forms C238F.
Identifiers: ClinVar variation 3059681 (VCV003059681.2), dbSNP rs150899882, ClinGen allele CA10337704.